The following is an entry in ClinVar:

NM_004260.4(RECQL4):c.944C>T (p.Ser315Leu)

Gene: RECQL4 (RecQ like helicase 4; minus strand). Cytogenetic location: 8q24.3.
Variant type: single nucleotide variant.
Coding change: c.944C>T on transcript NM_004260.4 (MANE Select); coding-DNA position 944, C replaced by T.
Protein change: p.Ser315Leu; replaces serine 315 with leucine.
Molecular consequence: missense variant.
Genome position (GRCh38, 1-based): chr8:144,516,175, G>A on the plus strand (C>T on the coding strand, the complement: RECQL4 is on the minus strand). VCF-style: chr8-144516175-G-A. GRCh37 (hg19) VCF-style: chr8-145741559-G-A.
Other names: short protein forms S315L.
Identifiers: ClinVar variation 406955 (VCV000406955.10), dbSNP rs376493359, ClinGen allele CA4949132.
Genomic context (GRCh38, chr8:144,516,175, plus strand): 5'-CCCTCAGCCTTCCCAGCCCTAGCTTGACTGGAGGGGCTGAGTCCGTGGTACCTGGGGTTC[G>A]ATGGGCTGCTGCAGGGCTGAGGTGGCTGTGCCTGTACAGGTTCCCCTGGAGGGTCTTCCT-3'
Protein context (NP_004251.4, residues 305-325): AQPPQPCSSP[Ser315Leu]NPRYHGLSPS

ClinVar aggregate classification (germline): Uncertain significance. Review status: criteria provided, multiple submitters, no conflicts (2 of 4 stars). 3 submissions from 3 submitters: Uncertain significance (3). Last evaluated 2025-12-24.

Conditions:
Inborn genetic diseases. Identifiers: MedGen C0950123, MeSH D030342.
Hereditary cancer-predisposing syndrome. Also called: Tumor predisposition; Neoplastic Syndromes, Hereditary; Hereditary Cancer Syndrome; Hereditary neoplastic syndrome. Identifiers: Orphanet 140162, MedGen C0027672, MeSH D009386, MONDO:0015356.
Baller-Gerold syndrome (BGS). Also called: CRANIOSYNOSTOSIS WITH RADIAL DEFECTS. Identifiers: Orphanet 1225, MedGen C0265308, MONDO:0009039, OMIM 218600.

Allele frequency attached by ClinVar (database versions not stated): ExAC 0.00006; gnomAD exomes 0.00006; 1000 Genomes Project 30x 0.00016; gnomAD 0.00018 and 0.00021; TOPMed 0.00023; ESP Exome Variant Server 0.00024.
gnomAD v4.1: 58 of 1,613,458 alleles (0.0036%); highest among the groups gnomAD compares: African/African-American, 0.052%; no homozygotes.

Submissions (3):

Labcorp Genetics (formerly Invitae), Labcorp
Classification: Uncertain significance for Baller-Gerold syndrome. Last evaluated: 2025-12-24. Review status: criteria provided, single submitter. Criteria: Invitae Variant Classification Sherloc (09022015). Collection method: clinical testing. Allele origin: germline.
Comment: This sequence change replaces serine, which is neutral and polar, with leucine, which is neutral and non-polar, at codon 315 of the RECQL4 protein (p.Ser315Leu). This variant is present in population databases (rs376493359, gnomAD 0.08%). This variant has not been reported in the literature in individuals affected with RECQL4-related conditions. ClinVar contains an entry for this variant (Variation ID: 406955). Experimental studies and prediction algorithms are not available or were not evaluated, and the functional significance of this variant is currently unknown. In summary, the available evidence is currently insufficient to determine the role of this variant in disease. Therefore, it has been classified as a Variant of Uncertain Significance.

Ambry Genetics
Classification: Uncertain significance for Inborn genetic diseases. Last evaluated: 2022-08-30. Review status: criteria provided, single submitter. Criteria: Ambry Variant Classification Scheme 2023. Collection method: clinical testing. Allele origin: germline.

Sema4
Classification: Uncertain significance for Hereditary cancer-predisposing syndrome. Last evaluated: 2021-12-17. Review status: criteria provided, single submitter. Criteria: Sema4 Curation Guidelines. Collection method: curation. Allele origin: germline.
Comment: The RECQL4 c.944C>T (p.S315L) variant has not been reported in the literature to our knowledge. It was observed in 20/24070 chromosomes in the African/African American subpopulation, including no homozygotes, in the large and broad cohorts of the Genome Aggregation Database (PMID: 32461654). The variant has been reported in ClinVar (Variation ID: 406955). In silico tools suggest the impact of the variant on protein function is benign, though these predictions have not been confirmed by functional studies. The evidence is insufficient to meet ACMG/AMP criteria for classifying the variant as benign or pathogenic. Thus, the clinical significance of this variant is currently uncertain.